The following is an entry in ClinVar:

ClinVar aggregate classification (germline): Uncertain significance (1 of 4 stars; one submission).

Conditions:
Intellectual developmental disorder, autosomal dominant 71, with behavioral abnormalities (MRD71). Identifiers: MedGen C5830437, MONDO:0957228, OMIM 620330.

gnomAD v4.1: 3 of 1,329,462 alleles (0.00023%); highest among the groups gnomAD compares: Non-Finnish European, 0.0003%; no homozygotes.

Submission:

Laboratorio de Genetica e Diagnostico Molecular, Hospital Israelita Albert Einstein
Classification: Uncertain significance for Intellectual developmental disorder, autosomal dominant 71, with behavioral abnormalities. Last evaluated: 2024-03-21. Review status: criteria provided, single submitter. Criteria: ACMG Guidelines, 2015. Collection method: clinical testing. Allele origin: germline. Affected: yes.
Comment: ACMG classification criteria: PM2 supporting

NM_022841.7(RFX7):c.62C>T (p.Pro21Leu)

Gene: RFX7 (regulatory factor X7; minus strand). Cytogenetic location: 15q21.3.
Variant type: single nucleotide variant.
Coding change: c.62C>T on transcript NM_022841.7 (MANE Select); coding-DNA position 62, C replaced by T.
Protein change: p.Pro21Leu; replaces proline 21 with leucine.
Molecular consequence: missense variant. On other transcripts: 5 prime UTR variant (1).
Genome position (GRCh38, 1-based): chr15:56,243,224, G>A on the plus strand (C>T on the coding strand, the complement: RFX7 is on the minus strand). VCF-style: chr15-56243224-G-A. GRCh37 (hg19) VCF-style: chr15-56535422-G-A.
Other names: c.-196C>T (NM_001368073.2); c.62C>T, p.Pro21Leu (NM_001370561.1); short protein forms P21L.
Identifiers: ClinVar variation 4076378 (VCV004076378.1).
Genomic context (GRCh38, chr15:56,243,224, plus strand): 5'-TCTGTCCCTGGCAGCCCGGGCACAAGGGCTGGCAGGGCCACCCCCGAGTTGGGGGCGCTG[G>A]GGGGAAGCTGCTGATGGGCATCAGGCTGCTGTGGTGGCGGCTGTTGTTGTTCCTCTGCCA-3'
Protein context (NP_073752.6, residues 11-31): QQPDAHQQLP[Pro21Leu]SAPNSGVALP